The following is an entry in ClinVar:

NM_133261.3(GIPC3):c.705G>A (p.Ala235=)

Gene: GIPC3 (GIPC PDZ domain containing family member 3; plus strand). Cytogenetic location: 19p13.3.
Variant type: single nucleotide variant.
Coding change: c.705G>A on transcript NM_133261.3 (MANE Select); coding-DNA position 705, G replaced by A.
Protein change: p.Ala235=; no amino-acid change (alanine 235 retained).
Molecular consequence: synonymous variant.
Genome position (GRCh38, 1-based): chr19:3,589,555, G>A. VCF-style: chr19-3589555-G-A. GRCh37 (hg19) VCF-style: chr19-3589553-G-A.
Other names: c.705G>A, p.Ala235= (NM_001411144.1).
Identifiers: ClinVar variation 3898864 (VCV003898864.2).

ClinVar aggregate classification (germline): Uncertain significance (1 of 4 stars; one submission).

Submission:

GeneDx
Classification: Uncertain significance. Last evaluated: 2025-05-21. Review status: criteria provided, single submitter. Criteria: GeneDx Variant Classification Process June 2021. Collection method: clinical testing. Allele origin: germline.
Comment: Has not been previously published as pathogenic or benign to our knowledge; In silico analysis is inconclusive as to whether the variant alters gene splicing. In the absence of RNA/functional studies, the actual effect of this sequence change is unknown.